The following is an entry in ClinVar:

NM_001039591.3(USP9X):c.1176G>C (p.Gln392His)

Gene: USP9X (ubiquitin specific peptidase 9 X-linked; plus strand). Cytogenetic location: Xp11.4.
Variant type: single nucleotide variant.
Coding change: c.1176G>C on transcript NM_001039591.3 (MANE Select); coding-DNA position 1176, G replaced by C.
Protein change: p.Gln392His; replaces glutamine 392 with histidine.
Molecular consequence: missense variant.
Genome position (GRCh38, 1-based): chrX:41,143,305, G>C. VCF-style: chrX-41143305-G-C. GRCh37 (hg19) VCF-style: chrX-41002558-G-C.
Other names: c.1176G>C, p.Gln392His (NM_001039590.3, NM_001410748.1, NM_001410749.1); short protein forms Q392H.
Identifiers: ClinVar variation 2909417 (VCV002909417.3), dbSNP rs749016667, ClinGen allele CA10388408.
Genomic context (GRCh38, chrX:41,143,305, plus strand): 5'-TTGTTTTAATTTCTGCTTTCAAACACGTTTTTGAATTAACATTTAGGAATGGATACAGCA[G>C]AACAATATCTTATCCATAGTGTTGCGAGATAGTCTTCATCAGCCACAGTATGTAGAAAAG-3'
Protein context (NP_001034680.2, residues 382-402): TAERMAEWIQ[Gln392His]NNILSIVLRD

ClinVar aggregate classification (germline): Uncertain significance (1 of 4 stars; one submission).

Allele frequency attached by ClinVar (database versions not stated): gnomAD 0.00001; gnomAD exomes 0.00001; TOPMed 0.00002; ExAC 0.00003.
gnomAD v4.1: 11 of 1,187,572 alleles (0.00093%); highest among the groups gnomAD compares: East Asian, 0.033%; no homozygotes.

Submission:

Labcorp Genetics (formerly Invitae), Labcorp
Classification: Uncertain significance. Last evaluated: 2023-03-04. Review status: criteria provided, single submitter. Criteria: Invitae Variant Classification Sherloc (09022015). Collection method: clinical testing. Allele origin: germline.
Comment: This sequence change replaces glutamine, which is neutral and polar, with histidine, which is basic and polar, at codon 392 of the USP9X protein (p.Gln392His). This variant is present in population databases (rs749016667, gnomAD 0.02%), including at least one homozygous and/or hemizygous individual. In summary, the available evidence is currently insufficient to determine the role of this variant in disease. Therefore, it has been classified as a Variant of Uncertain Significance. An algorithm developed to predict the effect of missense changes on protein structure and function (PolyPhen-2) suggests that this variant is likely to be tolerated. This variant has not been reported in the literature in individuals affected with USP9X-related conditions.